The following is an entry in ClinVar:

NM_022124.6(CDH23):c.2359_2382del (p.Leu787_Asp794del)

Gene: CDH23 (cadherin related 23; plus strand). Cytogenetic location: 10q22.1.
Variant type: Deletion.
Coding change: c.2359_2382del on transcript NM_022124.6 (MANE Select); coding-DNA positions 2359 to 2382, 24 bases deleted (CTGGTGGAGATGACCCCTCCAGAC).
Protein change: p.Leu787_Asp794del.
Molecular consequence: inframe deletion.
Genome position (GRCh38, 1-based): chr10:71,695,487-71,695,510, CTGGTGGAGATGACCCCTCCAGAC deleted; deleting any 24 consecutive bases within chr10:71,695,485-71,695,510 gives the same sequence; the c. name uses the placement nearest the transcript's 3' end. VCF-style (leftmost placement, unchanged base first): chr10-71695484-AACCTGGTGGAGATGACCCCTCCAG-A. GRCh37 (hg19) VCF-style: chr10-73455241-AACCTGGTGGAGATGACCCCTCCAG-A.
Other names: c.2359_2382del, p.Leu787_Asp794del (NM_001171930.2, NM_001171931.2); c.2359_2382del (NM_022124.5).
Identifiers: ClinVar variation 261544 (VCV000261544.11), dbSNP rs886038668, ClinGen allele CA10587086.
Genomic context (GRCh38, chr10:71,695,484, plus strand): 5'-ATCACCCTCCTGGACATCAATGACAACCACCCCACGTGGAAGGACGCACCCTACTACATC[AACCTGGTGGAGATGACCCCTCCAG>A]ACTCTGATGTGACCACGGTAGGTGGTGGCAGAGCAGCAGAACTGCCAGGCGGCCCTTCCC-3'

ClinVar aggregate classification (germline): Conflicting classifications of pathogenicity. Review status: criteria provided, conflicting classifications (1 of 4 stars). 2 submissions from 2 submitters: Pathogenic (1); Likely benign (1). Last evaluated 2024-01-16.

Submissions (2):

Labcorp Genetics (formerly Invitae), Labcorp
Classification: Pathogenic. Last evaluated: 2024-01-16. Review status: criteria provided, single submitter. Criteria: Invitae Variant Classification Sherloc (09022015). Collection method: clinical testing. Allele origin: germline.
Comment: This variant, c.2359_2382del, results in the deletion of 8 amino acid(s) of the CDH23 protein (p.Leu787_Asp794del), but otherwise preserves the integrity of the reading frame. This variant is not present in population databases (gnomAD no frequency). This variant has been observed in individual(s) with clinical features of Usher syndrome (Invitae). ClinVar contains an entry for this variant (Variation ID: 261544). For these reasons, this variant has been classified as Pathogenic.

PreventionGenetics, part of Exact Sciences
Classification: Likely benign. Review status: criteria provided, single submitter. Criteria: ACMG Guidelines, 2015. Collection method: clinical testing. Allele origin: germline.